The following is an entry in ClinVar:

NM_003000.3(SDHB):c.644C>T (p.Ala215Val)

Gene: SDHB (succinate dehydrogenase complex iron sulfur subunit B; minus strand). Cytogenetic location: 1p36.13.
Variant type: single nucleotide variant.
Coding change: c.644C>T on transcript NM_003000.3 (MANE Select); coding-DNA position 644, C replaced by T.
Protein change: p.Ala215Val; replaces alanine 215 with valine.
Molecular consequence: missense variant.
Genome position (GRCh38, 1-based): chr1:17,022,729, G>A on the plus strand (C>T on the coding strand, the complement: SDHB is on the minus strand). VCF-style: chr1-17022729-G-A. GRCh37 (hg19) VCF-style: chr1-17349224-G-A.
Other names: short protein forms A215V.
Identifiers: ClinVar variation 412473 (VCV000412473.15), dbSNP rs1060503761, ClinGen allele CA16609927.
Genomic context (GRCh38, chr1:17,022,729, plus strand): 5'-TGCAGCTTGGCCAGGCGCTCCTCTGTGAAGTCATCTCTGGAGTCAATCATCCAGCGATAG[G>A]CCTGGAAAACCAGGGATGATTAGCTGAGCTGCCAATCAACAGGCCAGAGCGGCACCCTGG-3'
Protein context (NP_002991.2, residues 205-225): KYLGPAVLMQ[Ala215Val]YRWMIDSRDD

ClinVar aggregate classification (germline): Uncertain significance. Review status: criteria provided, multiple submitters, no conflicts (2 of 4 stars). 4 submissions from 4 submitters: Uncertain significance (4). Last evaluated 2026-04-28.

Conditions:
Hereditary pheochromocytoma and paraganglioma. Also called: Hereditary Paraganglioma-Pheochromocytoma Syndromes; Hereditary pheochromocytoma-paraganglioma; Hereditary paragangliomas and pheochromocytomas. Identifiers: Orphanet 29072, MedGen C4274332, MONDO:0017366.
Pheochromocytoma/paraganglioma syndrome 4. Also called: PARAGANGLIOMA, FAMILIAL MALIGNANT; PARAGANGLIOMAS, HEREDITARY EXTRAADRENAL; PHEOCHROMOCYTOMA, FAMILIAL EXTRAADRENAL; Paragangliomas 4; CAROTID BODY TUMORS AND MULTIPLE EXTRAADRENAL PHEOCHROMOCYTOMAS; SDHB-Related Hereditary Paraganglioma-Pheochromocytoma Syndrome (Paragangliomas 4). Identifiers: Orphanet 29072, MedGen C1861848, MONDO:0007273, OMIM 115310.
Gastrointestinal stromal tumor. Also called: Gastrointestinal stroma tumor; Gastrointestinal stromal tumor, somatic. Identifiers: Orphanet 44890, MedGen C0238198, MeSH D046152, MONDO:0011719, OMIM 606764, HP:0100723.
Pheochromocytoma. Also called: MAX-Related Hereditary Paraganglioma-Pheochromocytoma Syndrome. Identifiers: Orphanet 29072, MedGen C0031511, MONDO:0008233, OMIM 171300, HP:0002666.
Hereditary cancer-predisposing syndrome. Also called: Neoplastic Syndromes, Hereditary; Hereditary Cancer Syndrome; Hereditary neoplastic syndrome; Tumor predisposition. Identifiers: Orphanet 140162, MedGen C0027672, MeSH D009386, MONDO:0015356.

Allele frequency attached by ClinVar (database versions not stated): gnomAD 0.00001; gnomAD exomes below 0.00001; TOPMed below 0.00001.
gnomAD v4.1: 3 of 1,613,264 alleles (0.00019%); highest among the groups gnomAD compares: Non-Finnish European, 0.00025%; no homozygotes.

Submissions (4):

Ambry Genetics
Classification: Uncertain significance for Hereditary cancer-predisposing syndrome. Last evaluated: 2026-04-28. Review status: criteria provided, single submitter. Criteria: Ambry Variant Classification Scheme 2023. Collection method: clinical testing. Allele origin: germline.
Comment: The p.A215V variant (also known as c.644C>T), located in coding exon 7 of the SDHB gene, results from a C to T substitution at nucleotide position 644. The alanine at codon 215 is replaced by valine, an amino acid with similar properties. This amino acid position is highly conserved in available vertebrate species. In addition, this alteration is predicted to be deleterious by in silico analysis. Based on the available evidence, the clinical significance of this variant remains unclear.

GeneDx
Classification: Uncertain significance. Last evaluated: 2025-06-13. Review status: criteria provided, single submitter. Criteria: GeneDx Variant Classification Process June 2021. Collection method: clinical testing. Allele origin: germline. Affected: yes.
Comment: Not observed at significant frequency in large population cohorts (gnomAD); In silico analysis supports that this missense variant has a deleterious effect on protein structure/function; Observed in a patient with renal cancer (PMID: 29684080); This variant is associated with the following publications: (PMID: 29684080)

Labcorp Genetics (formerly Invitae), Labcorp
Classification: Uncertain significance for Gastrointestinal stromal tumor; Pheochromocytoma/paraganglioma syndrome 4; Pheochromocytoma. Last evaluated: 2025-06-11. Review status: criteria provided, single submitter. Criteria: Invitae Variant Classification Sherloc (09022015). Collection method: clinical testing. Allele origin: germline.
Comment: This sequence change replaces alanine, which is neutral and non-polar, with valine, which is neutral and non-polar, at codon 215 of the SDHB protein (p.Ala215Val). This variant is present in population databases (no rsID available, gnomAD 0.0009%). This variant has not been reported in the literature in individuals affected with SDHB-related conditions. ClinVar contains an entry for this variant (Variation ID: 412473). An algorithm developed to predict the effect of missense changes on protein structure and function (PolyPhen-2) suggests that this variant is likely to be disruptive. In summary, the available evidence is currently insufficient to determine the role of this variant in disease. Therefore, it has been classified as a Variant of Uncertain Significance.

All of Us Research Program, National Institutes of Health
Classification: Uncertain significance for Hereditary pheochromocytoma and paraganglioma. Last evaluated: 2023-06-26. Review status: criteria provided, single submitter. Criteria: ACMG Guidelines, 2015. Collection method: clinical testing. Allele origin: germline. Inheritance: Autosomal dominant inheritance. Observed: 1 variant allele, 1 heterozygote.
Comment: This missense variant replaces alanine with valine at codon 215 of the SDHB protein. Computational prediction suggests that this variant may have deleterious impact on protein structure and function (internally defined REVEL score threshold >= 0.7, PMID: 27666373). To our knowledge, functional studies have not been reported for this variant. This variant has not been reported in individuals affected with SDHB-related disorders in the literature. This variant has been identified in 1/250518 chromosomes in the general population by the Genome Aggregation Database (gnomAD). The available evidence is insufficient to determine the role of this variant in disease conclusively. Therefore, this variant is classified as a Variant of Uncertain Significance.

This study involves interpretation of variants in research participants for the purpose of population health screening. Participant phenotype was not available at the time of variant classification. Additional details can be found in publication PMID: 35346344, PMCID: PMC8962531

Literature cited by the submitters: PubMed 29684080 (cited by Ambry Genetics).